The following is an entry in ClinVar:

NM_004006.3(DMD):c.181A>T (p.Lys61Ter)

Gene: DMD (dystrophin; minus strand). Cytogenetic location: Xp21.1.
Variant type: single nucleotide variant.
Coding change: c.181A>T on transcript NM_004006.3 (MANE Select); coding-DNA position 181, A replaced by T.
Protein change: p.Lys61Ter; replaces lysine 61 with a stop codon.
Molecular consequence: nonsense. On other transcripts: 5 prime UTR variant (1).
Genome position (GRCh38, 1-based): chrX:32,849,733, T>A on the plus strand (A>T on the coding strand, the complement: DMD is on the minus strand). VCF-style: chrX-32849733-T-A. GRCh37 (hg19) VCF-style: chrX-32867850-T-A.
Other names: c.157A>T, p.Lys53Ter (NM_000109.4); c.169A>T, p.Lys57Ter (NM_004009.3); c.-189A>T (NM_004010.3); short protein forms K53*, K57*, K61*.
Identifiers: ClinVar variation 1806400 (VCV001806400.1), dbSNP rs2524949516, ClinGen allele CA412674824.

ClinVar aggregate classification (germline): Likely pathogenic (1 of 4 stars; one submission).

Conditions:
Duchenne muscular dystrophy (DMD). Also called: MUSCULAR DYSTROPHY, PSEUDOHYPERTROPHIC PROGRESSIVE, DUCHENNE TYPE; Duchenne Muscular Dystrophy (DMD). Identifiers: Orphanet 98896, MedGen C0013264, MONDO:0010679, OMIM 310200.

Submission:

Laboratory of Medical Genetics, National & Kapodistrian University of Athens
Classification: Likely pathogenic for Duchenne muscular dystrophy. Last evaluated: 2022-12-16. Review status: criteria provided, single submitter. Criteria: ACMG Guidelines, 2015. Collection method: clinical testing. Allele origin: germline. Affected: yes.
Comment: PVS1,PM2